The following is an entry in ClinVar:

ClinVar aggregate classification (germline): Uncertain significance (1 of 4 stars; one submission).

Submission:

Ambry Genetics
Classification: Uncertain significance. Last evaluated: 2022-01-12. Review status: criteria provided, single submitter. Criteria: Ambry Variant Classification Scheme 2023. Collection method: clinical testing. Allele origin: germline.
Comment: The p.T57P variant (also known as c.169A>C), located in coding exon 2 of the IDH1 gene, results from an A to C substitution at nucleotide position 169. The threonine at codon 57 is replaced by proline, an amino acid with highly similar properties. This amino acid position is conserved. In addition, this alteration is predicted to be deleterious by in silico analysis. Since supporting evidence is limited at this time, the clinical significance of this alteration remains unclear.

NM_005896.4(IDH1):c.169A>C (p.Thr57Pro)

Gene: IDH1 (isocitrate dehydrogenase (NADP(+)) 1; minus strand). Cytogenetic location: 2q34.
Variant type: single nucleotide variant.
Coding change: c.169A>C on transcript NM_005896.4 (MANE Select); coding-DNA position 169, A replaced by C.
Protein change: p.Thr57Pro; replaces threonine 57 with proline.
Molecular consequence: missense variant.
Genome position (GRCh38, 1-based): chr2:208,248,614, T>G on the plus strand (A>C on the coding strand, the complement: IDH1 is on the minus strand). VCF-style: chr2-208248614-T-G. GRCh37 (hg19) VCF-style: chr2-209113338-T-G.
Other names: c.169A>C, p.Thr57Pro (NM_001282386.1, NM_001282387.1); short protein forms T57P.
Identifiers: ClinVar variation 1778298 (VCV001778298.2), dbSNP rs2124863864, ClinGen allele CA350102466.